The following is an entry in ClinVar:

NM_001318852.2(MAPK8IP3):c.2820-7C>T

Gene: MAPK8IP3 (mitogen-activated protein kinase 8 interacting protein 3; plus strand). Cytogenetic location: 16p13.3.
Variant type: single nucleotide variant.
Coding change: c.2820-7C>T on transcript NM_001318852.2 (MANE Select); 7 bases into the intron before coding-DNA position 2820, C replaced by T.
Molecular consequence: intron variant.
Genome position (GRCh38, 1-based): chr16:1,766,522, C>T. VCF-style: chr16-1766522-C-T. GRCh37 (hg19) VCF-style: chr16-1816523-C-T.
Other names: c.2817-7C>T (NM_015133.5); c.2799-7C>T (NM_001040439.2).
Identifiers: ClinVar variation 2501210 (VCV002501210.1), dbSNP rs776474568, ClinGen allele CA7817431.

ClinVar aggregate classification (germline): Uncertain significance (1 of 4 stars; one submission).

Allele frequency attached by ClinVar (database versions not stated): gnomAD exomes below 0.00001; ExAC 0.00001; gnomAD 0.00001; TOPMed 0.00002.
gnomAD v4.1: 3 of 1,610,926 alleles (0.00019%); highest among the groups gnomAD compares: African/African-American, 0.004%; no homozygotes.

Submission:

Women's Health and Genetics/Laboratory Corporation of America, LabCorp
Classification: Uncertain significance. Last evaluated: 2023-03-16. Review status: criteria provided, single submitter. Criteria: LabCorp Variant Classification Summary - May 2015. Collection method: clinical testing. Allele origin: germline.
Comment: Variant summary: MAPK8IP3 c.2817-7C>T alters a non-conserved nucleotide located close to a canonical splice site and therefore could affect mRNA splicing, leading to a significantly altered protein sequence. 4/4 computational tools predict no significant impact on normal splicing. However, these predictions have yet to be confirmed by functional studies. The variant allele was found at a frequency of 4.2e-06 in 239608 control chromosomes (gnomAD). The available data on variant occurrences in the general population are insufficient to allow any conclusion about variant significance. To our knowledge, no occurrence of c.2817-7C>T in individuals affected with Neurodevelopmental Disorder With Or Without Variable Brain Abnormalities (NEDBA) and no experimental evidence demonstrating its impact on protein function have been reported. No clinical diagnostic laboratories have submitted clinical-significance assessments for this variant to ClinVar after 2014. Based on the evidence outlined above, the variant was classified as uncertain significance.